The following is an entry in ClinVar:

ClinVar aggregate classification (germline): Likely benign (0 of 4 stars; one submission).

Conditions:
DYRK1B-related disorder. Also called: DYRK1B-related condition.

Allele frequency attached by ClinVar (database versions not stated): gnomAD 0.00001; TOPMed 0.00004.
gnomAD v4.1: 76 of 1,490,308 alleles (0.0051%); highest among the groups gnomAD compares: East Asian, 0.01%; no homozygotes.

Submission:

PreventionGenetics, part of Exact Sciences
Classification: Likely benign for DYRK1B-related condition. Last evaluated: 2021-12-29. Review status: no assertion criteria provided. Collection method: clinical testing. Allele origin: germline.
Comment: This variant is classified as likely benign based on ACMG/AMP sequence variant interpretation guidelines (Richards et al. 2015 PMID: 25741868, with internal and published modifications).

NM_004714.3(DYRK1B):c.1251C>T (p.Ala417=)

Gene: DYRK1B (dual specificity tyrosine phosphorylation regulated kinase 1B; minus strand). Cytogenetic location: 19q13.2.
Variant type: single nucleotide variant.
Coding change: c.1251C>T on transcript NM_004714.3 (MANE Select); coding-DNA position 1251, C replaced by T.
Protein change: p.Ala417=; no amino-acid change (alanine 417 retained).
Molecular consequence: synonymous variant.
Genome position (GRCh38, 1-based): chr19:39,826,832, G>A on the plus strand (C>T on the coding strand, the complement: DYRK1B is on the minus strand). VCF-style: chr19-39826832-G-A. GRCh37 (hg19) VCF-style: chr19-40317472-G-A.
Other names: c.1131C>T, p.Ala377= (NM_006483.3); c.1167C>T, p.Ala389= (NM_006484.3).
Identifiers: ClinVar variation 3036583 (VCV003036583.2), dbSNP rs1034254717, ClinGen allele CA308297530.